The following is an entry in ClinVar:

NM_024741.3(ZNF408):c.358G>A (p.Val120Met)

Gene: ZNF408 (zinc finger protein 408; plus strand). Cytogenetic location: 11p11.2.
Variant type: single nucleotide variant.
Coding change: c.358G>A on transcript NM_024741.3 (MANE Select); coding-DNA position 358, G replaced by A.
Protein change: p.Val120Met; replaces valine 120 with methionine.
Molecular consequence: missense variant.
Genome position (GRCh38, 1-based): chr11:46,702,731, G>A. VCF-style: chr11-46702731-G-A. GRCh37 (hg19) VCF-style: chr11-46724281-G-A.
Other names: c.358G>A (NM_024741.2); c.334G>A, p.Val112Met (NM_001184751.2); short protein forms V112M, V120M.
Identifiers: ClinVar variation 1357825 (VCV001357825.7), dbSNP rs747305214, ClinGen allele CA5966321.
Genomic context (GRCh38, chr11:46,702,731, plus strand): 5'-CATTTGAGAAGGACTTTTGTTGGTTTATTTCAGAACCTGTCATTAGGCCCATGGGGAGAC[G>A]TGTGTGCCTGTGAGCAGAGTTCTGGCTGGACTAGGTAAGTCAGAGGAGAGTGTGTCGTTC-3'
Protein context (NP_079017.1, residues 110-130): ENLSLGPWGD[Val120Met]CACEQSSGWT

ClinVar aggregate classification (germline): Conflicting classifications of pathogenicity. Review status: criteria provided, conflicting classifications (1 of 4 stars). 2 submissions from 2 submitters: Uncertain significance (1); Likely benign (1). Last evaluated 2025-04-10.

Conditions:
Inborn genetic diseases. Identifiers: MedGen C0950123, MeSH D030342.

Submissions (2):

Ambry Genetics
Classification: Likely benign for Inborn genetic diseases. Last evaluated: 2025-04-10. Review status: criteria provided, single submitter. Criteria: Ambry Variant Classification Scheme 2023. Collection method: clinical testing. Allele origin: germline.

Labcorp Genetics (formerly Invitae), Labcorp
Classification: Uncertain significance. Last evaluated: 2024-08-12. Review status: criteria provided, single submitter. Criteria: Invitae Variant Classification Sherloc (09022015). Collection method: clinical testing. Allele origin: germline.
Comment: This sequence change replaces valine, which is neutral and non-polar, with methionine, which is neutral and non-polar, at codon 120 of the ZNF408 protein (p.Val120Met). This variant is present in population databases (rs747305214, gnomAD 0.003%). This variant has not been reported in the literature in individuals affected with ZNF408-related conditions. ClinVar contains an entry for this variant (Variation ID: 1357825). An algorithm developed to predict the effect of missense changes on protein structure and function outputs the following: PolyPhen-2: "Possibly Damaging". The methionine amino acid residue is found in multiple mammalian species, which suggests that this missense change does not adversely affect protein function. In summary, the available evidence is currently insufficient to determine the role of this variant in disease. Therefore, it has been classified as a Variant of Uncertain Significance.